The following is an entry in ClinVar:

ClinVar aggregate classification (germline): Likely pathogenic (1 of 4 stars; one submission).

Conditions:
Bartter syndrome. Identifiers: Orphanet 112, MedGen C0004775, MONDO:0015231.

Submission:

Natera, Inc.
Classification: Likely pathogenic for Bartter syndrome. Last evaluated: 2024-12-27. Review status: criteria provided, single submitter. Criteria: Natera Variant Classification Schema (03/2026). Collection method: clinical testing. Allele origin: germline.
Comment: The c.389_396dup variant in BSND is a frameshift variant predicted to shift the reading frame beginning at codon 133 and leads to a stop codon 48 codons downstream. This variant is expected to result in nonsense mediated decay, truncation, or a dysfunctional protein product. This variant is rare in the general population with a frequency below the threshold expected for the associated phenotype(s). Given the available evidence, this variant is classified as Likely Pathogenic.

NM_057176.3(BSND):c.389_396dup (p.Ala133fs)

Gene: BSND (barttin CLCNK type accessory subunit beta; plus strand). Cytogenetic location: 1p32.3.
Variant type: Duplication.
Coding change: c.389_396dup on transcript NM_057176.3 (MANE Select); coding-DNA positions 389 to 396, 8 bases duplicated (CCTTGCTG; older notation c.389_396dupCCTTGCTG).
Protein change: p.Ala133fs; shifts the reading frame from alanine 133.
Molecular consequence: frameshift variant.
Genome position (GRCh38, 1-based): chr1:55,007,113-55,007,120, CCTTGCTG duplicated. VCF-style (leftmost placement, unchanged base first): chr1-55007112-T-TCCTTGCTG. GRCh37 (hg19) VCF-style: chr1-55472785-T-TCCTTGCTG.
Other names: short protein forms A133fs.
Identifiers: ClinVar variation 4816447 (VCV004816447.2).
Genomic context (GRCh38, chr1:55,007,112, plus strand): 5'-AGCCTGCCTGACTTCAGCCACATCCAGATGAAAGTCATGAGCTACAGTGAGGACCACCGC[T>TCCTTGCTG]CCTTGCTGGCCCCTGAGATGGGGCAGCCGAAGCTGGGAACCAGTGATGGAGGAGAAGGTG-3'